The following is an entry in ClinVar:

ClinVar aggregate classification (germline): Uncertain significance (1 of 4 stars; one submission).

Allele frequency attached by ClinVar (database versions not stated): gnomAD exomes below 0.00001.
gnomAD v4.1: 3 of 1,605,218 alleles (0.00019%); highest among the groups gnomAD compares: Non-Finnish European, 0.00026%; no homozygotes.

Submission:

Labcorp Genetics (formerly Invitae), Labcorp
Classification: Uncertain significance. Last evaluated: 2024-11-18. Review status: criteria provided, single submitter. Criteria: Invitae Variant Classification Sherloc (09022015). Collection method: clinical testing. Allele origin: germline.
Comment: This sequence change replaces arginine, which is basic and polar, with glutamine, which is neutral and polar, at codon 1165 of the CARMIL2 protein (p.Arg1165Gln). The frequency data for this variant in the population databases is considered unreliable, as metrics indicate poor data quality at this position in the gnomAD database. This variant has not been reported in the literature in individuals affected with CARMIL2-related conditions. ClinVar contains an entry for this variant (Variation ID: 2999918). Invitae Evidence Modeling of protein sequence and biophysical properties (such as structural, functional, and spatial information, amino acid conservation, physicochemical variation, residue mobility, and thermodynamic stability) indicates that this missense variant is not expected to disrupt CARMIL2 protein function with a negative predictive value of 80%. In summary, the available evidence is currently insufficient to determine the role of this variant in disease. Therefore, it has been classified as a Variant of Uncertain Significance.

NM_001013838.3(CARMIL2):c.3494G>A (p.Arg1165Gln)

Gene: CARMIL2 (capping protein regulator and myosin 1 linker 2; plus strand). Cytogenetic location: 16q22.1.
Variant type: single nucleotide variant.
Coding change: c.3494G>A on transcript NM_001013838.3 (MANE Select); coding-DNA position 3494, G replaced by A.
Protein change: p.Arg1165Gln; replaces arginine 1165 with glutamine.
Molecular consequence: missense variant.
Genome position (GRCh38, 1-based): chr16:67,654,604, G>A. VCF-style: chr16-67654604-G-A. GRCh37 (hg19) VCF-style: chr16-67688507-G-A.
Other names: c.3386G>A, p.Arg1129Gln (NM_001317026.3); short protein forms R1129Q, R1165Q.
Identifiers: ClinVar variation 2999918 (VCV002999918.3), dbSNP rs1268519513, ClinGen allele CA396345100.